The following is an entry in ClinVar:

NM_015599.3(PGM3):c.506G>A (p.Arg169Gln)

Gene: PGM3 (phosphoglucomutase 3; minus strand). Cytogenetic location: 6q14.1.
Variant type: single nucleotide variant.
Coding change: c.506G>A on transcript NM_015599.3 (MANE Select); coding-DNA position 506, G replaced by A.
Protein change: p.Arg169Gln; replaces arginine 169 with glutamine.
Molecular consequence: missense variant. On other transcripts: non-coding transcript variant (1).
Genome position (GRCh38, 1-based): chr6:83,182,930, C>T on the plus strand (G>A on the coding strand, the complement: PGM3 is on the minus strand). VCF-style: chr6-83182930-C-T. GRCh37 (hg19) VCF-style: chr6-83892649-C-T.
Other names: c.590G>A, p.Arg197Gln (NM_001199917.2, NM_001367287.1); c.263G>A, p.Arg88Gln (NM_001199918.2); c.506G>A, p.Arg169Gln (NM_001199919.2, NM_001367286.1); short protein forms R169Q, R197Q, R88Q.
Identifiers: ClinVar variation 940724 (VCV000940724.5), dbSNP rs752438675, ClinGen allele CA3906737.

ClinVar aggregate classification (germline): Uncertain significance. Review status: criteria provided, multiple submitters, no conflicts (2 of 4 stars). 2 submissions from 2 submitters: Uncertain significance (2). Last evaluated 2022-07-06.

Conditions:
Immunodeficiency 23 (IMD23). Also called: IMMUNODEFICIENCY WITH HYPER IgE AND COGNITIVE IMPAIRMENT; IMMUNODEFICIENCY-VASCULITIS-MYOCLONUS SYNDROME. Identifiers: Orphanet 443811, MedGen C4014371, MONDO:0014353, OMIM 615816.

Allele frequency attached by ClinVar (database versions not stated): gnomAD exomes 0.00002 and 0.00008; TOPMed 0.00003; ExAC 0.00004.
gnomAD v4.1: 23 of 1,613,926 alleles (0.0014%); highest among the groups gnomAD compares: Admixed American, 0.028%; no homozygotes.

Submissions (2):

Labcorp Genetics (formerly Invitae), Labcorp
Classification: Uncertain significance for Immunodeficiency 23. Last evaluated: 2022-07-06. Review status: criteria provided, single submitter. Criteria: Invitae Variant Classification Sherloc (09022015). Collection method: clinical testing. Allele origin: germline.
Comment: This sequence change replaces arginine, which is basic and polar, with glutamine, which is neutral and polar, at codon 197 of the PGM3 protein (p.Arg197Gln). This variant is present in population databases (rs752438675, gnomAD 0.04%). This variant has not been reported in the literature in individuals affected with PGM3-related conditions. ClinVar contains an entry for this variant (Variation ID: 940724). Algorithms developed to predict the effect of missense changes on protein structure and function output the following: SIFT: "Tolerated"; PolyPhen-2: "Benign"; Align-GVGD: "Class C0". The glutamine amino acid residue is found in multiple mammalian species, which suggests that this missense change does not adversely affect protein function. In summary, the available evidence is currently insufficient to determine the role of this variant in disease. Therefore, it has been classified as a Variant of Uncertain Significance.

Baylor Genetics
Classification: Uncertain significance for Immunodeficiency 23. Last evaluated: 2019-12-13. Review status: criteria provided, single submitter. Criteria: ACMG Guidelines, 2015. Collection method: clinical testing. Allele origin: unknown. Affected: yes.
Comment: This variant was determined to be of uncertain significance according to ACMG Guidelines, 2015 [PMID:25741868].